The following is an entry in ClinVar:

ClinVar aggregate classification (germline): Uncertain significance (1 of 4 stars; one submission).

Allele frequency attached by ClinVar (database versions not stated): gnomAD exomes below 0.00001; ExAC 0.00001.
gnomAD v4.1: 1 of 1,613,956 alleles (0.000062%); highest among the groups gnomAD compares: Non-Finnish European, 0.000085%; no homozygotes.

Submission:

Labcorp Genetics (formerly Invitae), Labcorp
Classification: Uncertain significance. Last evaluated: 2020-09-04. Review status: criteria provided, single submitter. Criteria: Invitae Variant Classification Sherloc (09022015). Collection method: clinical testing. Allele origin: germline.
Comment: This variant has not been reported in the literature in individuals with ADAM9-related conditions. This variant is present in population databases (rs137853041, ExAC 0.001%). This sequence change replaces arginine with glycine at codon 164 of the ADAM9 protein (p.Arg164Gly). The arginine residue is moderately conserved and there is a moderate physicochemical difference between arginine and glycine. In summary, the available evidence is currently insufficient to determine the role of this variant in disease. Therefore, it has been classified as a Variant of Uncertain Significance. Algorithms developed to predict the effect of missense changes on protein structure and function (SIFT, PolyPhen-2, Align-GVGD) all suggest that this variant is likely to be tolerated, but these predictions have not been confirmed by published functional studies and their clinical significance is uncertain.

NM_003816.3(ADAM9):c.490C>G (p.Arg164Gly)

Gene: ADAM9 (ADAM metallopeptidase domain 9; plus strand). Cytogenetic location: 8p11.22.
Variant type: single nucleotide variant.
Coding change: c.490C>G on transcript NM_003816.3 (MANE Select); coding-DNA position 490, C replaced by G.
Protein change: p.Arg164Gly; replaces arginine 164 with glycine.
Molecular consequence: missense variant. On other transcripts: non-coding transcript variant (3).
Genome position (GRCh38, 1-based): chr8:39,017,298, C>G. VCF-style: chr8-39017298-C-G. GRCh37 (hg19) VCF-style: chr8-38874817-C-G.
Other names: short protein forms R164G.
Identifiers: ClinVar variation 1011446 (VCV001011446.5), dbSNP rs137853041, ClinGen allele CA4721358.